The following is an entry in ClinVar:

ClinVar aggregate classification (germline): Benign/Likely benign. Review status: criteria provided, multiple submitters, no conflicts (2 of 4 stars). 8 submissions from 8 submitters: Benign (1); Likely benign (6). 1 of the submissions does not count toward it. Last evaluated 2026-01-24.

Conditions:
Usher syndrome type 1 (USH1). Also called: RETINITIS PIGMENTOSA AND CONGENITAL DEAFNESS. Identifiers: Orphanet 231169, Orphanet 886, MedGen C1568247, MONDO:0010168, OMIM 276900.
Autosomal recessive nonsyndromic hearing loss 2. Also called: NEUROSENSORY NONSYNDROMIC RECESSIVE DEAFNESS 2; DEAFNESS, AUTOSOMAL RECESSIVE 2. Identifiers: Orphanet 90636, MedGen C1838701, MONDO:0010807, OMIM 600060.
MYO7A-related disorder. Also called: MYO7A-related disorders.

Allele frequency attached by ClinVar (database versions not stated): 1000 Genomes Project 30x 0.00016; 1000 Genomes Project 0.00020; TOPMed 0.00025; ESP Exome Variant Server 0.00039; ExAC 0.00047; gnomAD 0.00047 and 0.00049.
gnomAD v4.1: 653 of 1,610,292 alleles (0.041%); highest among the groups gnomAD compares: Middle Eastern, 0.05%; no homozygotes.

Submissions (8):

Labcorp Genetics (formerly Invitae), Labcorp
Classification: Benign. Last evaluated: 2026-01-24. Review status: criteria provided, single submitter. Criteria: Invitae Variant Classification Sherloc (09022015). Collection method: clinical testing. Allele origin: germline.

PreventionGenetics, part of Exact Sciences
Classification: Likely benign for MYO7A-related condition. Last evaluated: 2024-12-12. Review status: criteria provided, single submitter. Criteria: ACMG Guidelines, 2015. Collection method: clinical testing. Allele origin: germline.
Comment: This variant is classified as likely benign based on ACMG/AMP sequence variant interpretation guidelines (Richards et al. 2015 PMID: 25741868, with internal and published modifications).

Blueprint Genetics
Classification: Likely benign. Last evaluated: 2024-11-25. Review status: criteria provided, single submitter. Criteria: ACMG Guidelines, 2015. Collection method: clinical testing. Allele origin: germline.

CeGaT Center for Human Genetics Tuebingen
Classification: Likely benign. Last evaluated: 2022-12-01. Review status: criteria provided, single submitter. Criteria: CeGaT Center For Human Genetics Tuebingen Variant Classification Criteria Version 2. Collection method: clinical testing. Allele origin: germline. Affected: yes. Observed: 1 variant allele.
Comment: MYO7A: BP4, BP7

GeneDx
Classification: Likely benign. Last evaluated: 2020-09-03. Review status: criteria provided, single submitter. Criteria: GeneDx Variant Classification Process June 2021. Collection method: clinical testing. Allele origin: germline. Affected: yes.

Athena Diagnostics
Classification: Likely benign. Last evaluated: 2018-10-12. Review status: criteria provided, single submitter. Criteria: Athena Diagnostics Criteria. Collection method: clinical testing. Allele origin: germline.

Laboratory for Molecular Medicine, Mass General Brigham Personalized Medicine
Classification: Likely benign. Last evaluated: 2017-05-31. Review status: criteria provided, single submitter. Criteria: LMM Criteria. Collection method: clinical testing. Allele origin: germline. Observed: 2 variant alleles.
Comment: p.His1853His in exon 40 of MYO7A: This variant t is not expected to have clinica l significance because it does not alter an amino acid residue and is not locate d within the splice consensus sequence. It has been identified in 0.2% (54/25070 ) of Finish chromosomes and 61/123476 European chromosomes by the Genome Aggrega tion Database (gnomAD; dbSNP rs373612656).

Counsyl
Classification: Likely benign for Usher syndrome type 1; Autosomal recessive nonsyndromic hearing loss 2. Last evaluated: 2017-01-10. Review status: no assertion criteria provided. Collection method: clinical testing. Allele origin: unknown. Not counted in ClinVar's aggregate classification.

NM_000260.4(MYO7A):c.5559C>T (p.His1853=)

Gene: MYO7A (myosin VIIA; plus strand). Cytogenetic location: 11q13.5.
Variant type: single nucleotide variant.
Coding change: c.5559C>T on transcript NM_000260.4 (MANE Select); coding-DNA position 5559, C replaced by T.
Protein change: p.His1853=; no amino-acid change (histidine 1853 retained).
Molecular consequence: synonymous variant.
Genome position (GRCh38, 1-based): chr11:77,205,540, C>T. VCF-style: chr11-77205540-C-T. GRCh37 (hg19) VCF-style: chr11-76916585-C-T.
Other names: c.5445C>T, p.His1815= (NM_001127180.2); c.5412C>T, p.His1804= (NM_001369365.1).
Identifiers: ClinVar variation 43286 (VCV000043286.45), dbSNP rs373612656, ClinGen allele CA132390.